The following is an entry in ClinVar:

ClinVar aggregate classification (germline): Uncertain significance. Review status: criteria provided, multiple submitters, no conflicts (2 of 4 stars). 2 submissions from 2 submitters: Uncertain significance (2). Last evaluated 2022-11-11.

Conditions:
Alpha thalassemia-X-linked intellectual disability syndrome (ATRX). Also called: Alpha thalassemia mental retardation syndrome, nondeletion type, X-linked; XLMR hypotonic face syndrome; ALPHA-THALASSEMIA/MENTAL RETARDATION SYNDROME, X-LINKED; ATR, NONDELETION TYPE; ATR-X syndrome; X-linked alpha-thalassemia-mental retardation syndrome. Identifiers: Orphanet 847, MedGen C1845055, MONDO:0010519, OMIM 301040.
ATRX-related disorder. Also called: ATRX-related condition.

Submissions (2):

PreventionGenetics, part of Exact Sciences
Classification: Uncertain significance for ATRX-related condition. Last evaluated: 2022-11-11. Review status: criteria provided, single submitter. Criteria: ACMG Guidelines, 2015. Collection method: clinical testing. Allele origin: germline.
Comment: The ATRX c.1169G>T variant is predicted to result in the amino acid substitution p.Arg390Leu. To our knowledge, this variant has not been reported in the literature or in a large population database, indicating this variant is rare. At this time, the clinical significance of this variant is uncertain due to the absence of conclusive functional and genetic evidence.

Labcorp Genetics (formerly Invitae), Labcorp
Classification: Uncertain significance for Alpha thalassemia-X-linked intellectual disability syndrome. Last evaluated: 2022-10-27. Review status: criteria provided, single submitter. Criteria: Invitae Variant Classification Sherloc (09022015). Collection method: clinical testing. Allele origin: germline.
Comment: This sequence change replaces arginine, which is basic and polar, with leucine, which is neutral and non-polar, at codon 390 of the ATRX protein (p.Arg390Leu). This variant is not present in population databases (gnomAD no frequency). In summary, the available evidence is currently insufficient to determine the role of this variant in disease. Therefore, it has been classified as a Variant of Uncertain Significance. Advanced modeling of protein sequence and biophysical properties (such as structural, functional, and spatial information, amino acid conservation, physicochemical variation, residue mobility, and thermodynamic stability) performed at Invitae indicates that this missense variant is not expected to disrupt ATRX protein function. This variant has not been reported in the literature in individuals affected with ATRX-related conditions.

NM_000489.6(ATRX):c.1169G>T (p.Arg390Leu)

Gene: ATRX (ATRX chromatin remodeler; minus strand). Cytogenetic location: Xq21.1.
Variant type: single nucleotide variant.
Coding change: c.1169G>T on transcript NM_000489.6 (MANE Select); coding-DNA position 1169, G replaced by T.
Protein change: p.Arg390Leu; replaces arginine 390 with leucine.
Molecular consequence: missense variant.
Genome position (GRCh38, 1-based): chrX:77,684,087, C>A on the plus strand (G>T on the coding strand, the complement: ATRX is on the minus strand). VCF-style: chrX-77684087-C-A. GRCh37 (hg19) VCF-style: chrX-76939579-C-A.
Other names: c.1055G>T, p.Arg352Leu (NM_138270.5); short protein forms R352L, R390L.
Identifiers: ClinVar variation 2635144 (VCV002635144.4), dbSNP rs367986587, ClinGen allele CA413719229.
Genomic context (GRCh38, chrX:77,684,087, plus strand): 5'-TCCAATGCAAGATGAGCCTTCTTAATATCAGCCAACACAGACTTAAAAGCCTTAAGCTGA[C>A]GTAATTTTGTAGCAGAACTGATTTCTGAATTATCTGTTGCCTGCTTTAAAAATTTAACAT-3'
Protein context (NP_000480.3, residues 380-400): NSEISSATKL[Arg390Leu]QLKAFKSVLA